The following is an entry in ClinVar:

NM_017617.5(NOTCH1):c.6204C>T (p.Ala2068=)

Gene: NOTCH1 (notch receptor 1; minus strand). Cytogenetic location: 9q34.3.
Variant type: single nucleotide variant.
Coding change: c.6204C>T on transcript NM_017617.5 (MANE Select); coding-DNA position 6204, C replaced by T.
Protein change: p.Ala2068=; no amino-acid change (alanine 2068 retained).
Molecular consequence: synonymous variant.
Genome position (GRCh38, 1-based): chr9:136,497,535, G>A on the plus strand (C>T on the coding strand, the complement: NOTCH1 is on the minus strand). VCF-style: chr9-136497535-G-A. GRCh37 (hg19) VCF-style: chr9-139391987-G-A.
Other names: c.6204C>T, p.Ala2068= (LRG_1122t1).
Identifiers: ClinVar variation 515483 (VCV000515483.13), dbSNP rs767118276, ClinGen allele CA5339967.

ClinVar aggregate classification (germline): Likely benign. Review status: criteria provided, multiple submitters, no conflicts (2 of 4 stars). 5 submissions from 4 submitters: Likely benign (5). Last evaluated 2025-05-06.

Conditions:
Aortic valve disease 1 (AOVD1). Identifiers: MedGen C3887892, MONDO:0024523, OMIM 109730.
Adams-Oliver syndrome 5 (AOS5). Identifiers: Orphanet 974, MedGen C4014970, MONDO:0014459, OMIM 616028.
Familial thoracic aortic aneurysm and aortic dissection (TAAD). Also called: Thoracic aortic aneurysms and dissections. Identifiers: Orphanet 91387, MedGen C4707243, MONDO:0019625.

Allele frequency attached by ClinVar (database versions not stated): gnomAD 0.00001 and 0.00002; TOPMed 0.00001; gnomAD exomes 0.00002; ExAC 0.00003.
gnomAD v4.1: 28 of 1,606,140 alleles (0.0017%); highest among the groups gnomAD compares: South Asian, 0.0033%; no homozygotes.

Submissions (5):

Labcorp Genetics (formerly Invitae), Labcorp
Classification: Likely benign for Adams-Oliver syndrome 5. Last evaluated: 2025-05-06. Review status: criteria provided, single submitter. Criteria: Invitae Variant Classification Sherloc (09022015). Collection method: clinical testing. Allele origin: germline.

Genome-Nilou Lab
Classification: Likely benign for Adams-Oliver syndrome 5. Last evaluated: 2022-03-15. Review status: criteria provided, single submitter. Criteria: ACMG Guidelines, 2015. Collection method: clinical testing. Allele origin: germline. Affected: no.

Genome-Nilou Lab
Classification: Likely benign for Aortic valve disease 1. Last evaluated: 2022-03-15. Review status: criteria provided, single submitter. Criteria: ACMG Guidelines, 2015. Collection method: clinical testing. Allele origin: germline. Affected: no.

Ambry Genetics
Classification: Likely benign for Familial thoracic aortic aneurysm and aortic dissection. Last evaluated: 2019-05-17. Review status: criteria provided, single submitter. Criteria: Ambry Variant Classification Scheme 2023. Collection method: clinical testing. Allele origin: germline.

GeneDx
Classification: Likely benign. Last evaluated: 2018-02-13. Review status: criteria provided, single submitter. Criteria: GeneDx Variant Classification (06012015). Collection method: clinical testing. Allele origin: germline. Affected: yes.
Comment: This variant is considered likely benign or benign based on one or more of the following criteria: it is a conservative change, it occurs at a poorly conserved position in the protein, it is predicted to be benign by multiple in silico algorithms, and/or has population frequency not consistent with disease.